The following is an entry in ClinVar:

NM_001206999.2(CIT):c.1936G>A (p.Glu646Lys)

Gene: CIT (citron rho-interacting serine/threonine kinase; minus strand). Cytogenetic location: 12q24.23.
Variant type: single nucleotide variant.
Coding change: c.1936G>A on transcript NM_001206999.2 (MANE Select); coding-DNA position 1936, G replaced by A.
Protein change: p.Glu646Lys; replaces glutamic acid 646 with lysine.
Molecular consequence: missense variant.
Genome position (GRCh38, 1-based): chr12:119,775,791, C>T on the plus strand (G>A on the coding strand, the complement: CIT is on the minus strand). VCF-style: chr12-119775791-C-T. GRCh37 (hg19) VCF-style: chr12-120213595-C-T.
Other names: c.1936G>A, p.Glu646Lys (NM_007174.3); short protein forms E646K.
Identifiers: ClinVar variation 2059219 (VCV002059219.4), dbSNP rs2502118878, ClinGen allele CA386543259.

ClinVar aggregate classification (germline): Uncertain significance (1 of 4 stars; one submission).

Allele frequency attached by ClinVar (database versions not stated): gnomAD exomes 0.00001.
gnomAD v4.1: 13 of 1,613,572 alleles (0.00081%); highest among the groups gnomAD compares: Non-Finnish European, 0.0011%; no homozygotes.

Submission:

Labcorp Genetics (formerly Invitae), Labcorp
Classification: Uncertain significance. Last evaluated: 2021-12-24. Review status: criteria provided, single submitter. Criteria: Invitae Variant Classification Sherloc (09022015). Collection method: clinical testing. Allele origin: germline.
Comment: In summary, the available evidence is currently insufficient to determine the role of this variant in disease. Therefore, it has been classified as a Variant of Uncertain Significance. Algorithms developed to predict the effect of missense changes on protein structure and function (SIFT, PolyPhen-2, Align-GVGD) all suggest that this variant is likely to be tolerated. This variant has not been reported in the literature in individuals affected with CIT-related conditions. This variant is not present in population databases (gnomAD no frequency). This sequence change replaces glutamic acid, which is acidic and polar, with lysine, which is basic and polar, at codon 646 of the CIT protein (p.Glu646Lys).